The following is an entry in ClinVar:

ClinVar aggregate classification (germline): Uncertain significance (1 of 4 stars; one submission).

Allele frequency attached by ClinVar (database versions not stated): gnomAD 0.00001.
gnomAD v4.1: 5 of 1,486,958 alleles (0.00034%); highest among the groups gnomAD compares: Non-Finnish European, 0.00045%; no homozygotes.

Submission:

Labcorp Genetics (formerly Invitae), Labcorp
Classification: Uncertain significance. Last evaluated: 2022-11-22. Review status: criteria provided, single submitter. Criteria: Invitae Variant Classification Sherloc (09022015). Collection method: clinical testing. Allele origin: germline.
Comment: This sequence change replaces threonine, which is neutral and polar, with serine, which is neutral and polar, at codon 489 of the TRAK1 protein (p.Thr489Ser). This variant is not present in population databases (gnomAD no frequency). This variant has not been reported in the literature in individuals affected with TRAK1-related conditions. Algorithms developed to predict the effect of missense changes on protein structure and function are either unavailable or do not agree on the potential impact of this missense change (SIFT: "Tolerated"; PolyPhen-2: "Probably Damaging"; Align-GVGD: "Class C0"). In summary, the available evidence is currently insufficient to determine the role of this variant in disease. Therefore, it has been classified as a Variant of Uncertain Significance.

NM_001042646.3(TRAK1):c.1465A>T (p.Thr489Ser)

Gene: TRAK1 (trafficking kinesin protein 1; plus strand). Cytogenetic location: 3p22.1.
Variant type: single nucleotide variant.
Coding change: c.1465A>T on transcript NM_001042646.3 (MANE Select); coding-DNA position 1465, A replaced by T.
Protein change: p.Thr489Ser; replaces threonine 489 with serine.
Molecular consequence: missense variant. On other transcripts: non-coding transcript variant (1).
Genome position (GRCh38, 1-based): chr3:42,202,473, A>T. VCF-style: chr3-42202473-A-T. GRCh37 (hg19) VCF-style: chr3-42243965-A-T.
Other names: c.1465A>T, p.Thr489Ser (NM_001265608.2, NM_001349246.2, NM_001349247.2); c.1243A>T, p.Thr415Ser (NM_001265609.2, NM_001265610.1, NM_001349248.1 and 1 more transcripts); c.1153A>T, p.Thr385Ser (NM_001349245.1); c.1291A>T, p.Thr431Ser (NM_001410741.1, NM_014965.5); short protein forms T385S, T415S, T431S, T489S.
Identifiers: ClinVar variation 2162091 (VCV002162091.4), dbSNP rs1707766670, ClinGen allele CA352246942.